The following is an entry in ClinVar:

ClinVar aggregate classification (germline): Uncertain significance. Review status: criteria provided, multiple submitters, no conflicts (2 of 4 stars). 3 submissions from 3 submitters: Uncertain significance (3). Last evaluated 2026-02-04.

Conditions:
Wilms tumor 1 (WT1). Also called: Wilms tumor, somatic. Identifiers: Orphanet 654, MedGen CN033288, MONDO:0008679, OMIM 194070.
Frasier syndrome. Identifiers: Orphanet 347, MedGen C0950122, MeSH D052159, MONDO:0007635, OMIM 136680.
11p partial monosomy syndrome (WAGR). Also called: WAGR syndrome; WAGR Complex; WAGR Spectrum Disorder; CHROMOSOME 11p13 DELETION SYNDROME. Identifiers: Orphanet 893, MedGen C0206115, MONDO:0008681, OMIM 194072.
Drash syndrome (DDS). Also called: NEPHROPATHY, WILMS TUMOR, AND GENITAL ANOMALIES; WILMS TUMOR AND PSEUDO- OR TRUE HERMAPHRODITISM. Identifiers: Orphanet 220, MedGen C0950121, MONDO:0008682, OMIM 194080.
Inborn genetic diseases. Identifiers: MedGen C0950123, MeSH D030342.

Allele frequency attached by ClinVar (database versions not stated): gnomAD 0.00001.
gnomAD v4.1: 1 of 1,613,354 alleles (0.000062%); highest among the groups gnomAD compares: Non-Finnish European, 0.000085%; no homozygotes.

Submissions (3):

Ambry Genetics
Classification: Uncertain significance for Inborn genetic diseases. Last evaluated: 2026-02-04. Review status: criteria provided, single submitter. Criteria: Ambry Variant Classification Scheme 2023. Collection method: clinical testing. Allele origin: germline.
Comment: The c.950G>A variant (also known as p.G317E), located in coding exon 4 of the WT1 gene, results from a G to A substitution at nucleotide position 950. The amino acid change results in glycine to glutamic acid at codon 317, an amino acid with similar properties. However, this change occurs in the last base pair of coding exon 4, which makes it likely to have some effect on normal mRNA splicing. This nucleotide position is highly conserved in available vertebrate species. This amino acid position is highly conserved in available vertebrate species. In silico splice site analysis predicts that this alteration will weaken the native splice donor site. In addition, as a missense substitution this is predicted to be inconclusive by in silico analysis. Based on the available evidence, the clinical significance of this variant remains unclear.

Labcorp Genetics (formerly Invitae), Labcorp
Classification: Uncertain significance for Wilms tumor 1; Drash syndrome; 11p partial monosomy syndrome; Frasier syndrome. Last evaluated: 2023-07-12. Review status: criteria provided, single submitter. Criteria: Invitae Variant Classification Sherloc (09022015). Collection method: clinical testing. Allele origin: germline.
Comment: In summary, the available evidence is currently insufficient to determine the role of this variant in disease. Therefore, it has been classified as a Variant of Uncertain Significance. Variants that disrupt the consensus splice site are a relatively common cause of aberrant splicing (PMID: 17576681, 9536098). Algorithms developed to predict the effect of sequence changes on RNA splicing suggest that this variant may disrupt the consensus splice site. An algorithm developed to predict the effect of missense changes on protein structure and function (PolyPhen-2) suggests that this variant is likely to be disruptive. This variant has not been reported in the literature in individuals affected with WT1-related conditions. This variant is not present in population databases (gnomAD no frequency). This sequence change replaces glycine, which is neutral and non-polar, with glutamic acid, which is acidic and polar, at codon 317 of the WT1 protein (p.Gly317Glu). This variant also falls at the last nucleotide of exon 4, which is part of the consensus splice site for this exon.

All of Us Research Program, National Institutes of Health
Classification: Uncertain significance for Wilms tumor 1. Last evaluated: 2023-05-30. Review status: criteria provided, single submitter. Criteria: ACMG Guidelines, 2015. Collection method: clinical testing. Allele origin: germline. Inheritance: Autosomal dominant inheritance. Observed: 1 variant allele, 1 heterozygote.
Comment: This missense variant replaces glycine with glutamic acid at codon 317 of the WT1 protein. Computational prediction is inconclusive regarding the impact of this variant on protein structure and function (internally defined REVEL score threshold 0.5 < inconclusive < 0.7, PMID: 27666373). To our knowledge, functional studies have not been reported for this variant. This variant has not been reported in individuals affected with WT1-related disorders in the literature. This variant has been identified in 1/31406 chromosomes in the general population by the Genome Aggregation Database (gnomAD). The available evidence is insufficient to determine the role of this variant in disease conclusively. Therefore, this variant is classified as a Variant of Uncertain Significance.

This study involves interpretation of variants in research participants for the purpose of population health screening. Participant phenotype was not available at the time of variant classification. Additional details can be found in publication PMID: 35346344, PMCID: PMC8962531

Literature cited by the submitters: PubMed 17576681 (cited by Labcorp Genetics (formerly Invitae), Labcorp); PubMed 9536098 (cited by Labcorp Genetics (formerly Invitae), Labcorp).

NM_024426.6(WT1):c.965G>A (p.Gly322Glu)

Gene: WT1 (WT1 transcription factor; minus strand). Cytogenetic location: 11p13.
Variant type: single nucleotide variant.
Coding change: c.965G>A on transcript NM_024426.6 (MANE Select); coding-DNA position 965, G replaced by A.
Protein change: p.Gly322Glu; replaces glycine 322 with glutamic acid.
Molecular consequence: missense variant. On other transcripts: non-coding transcript variant (2).
Genome position (GRCh38, 1-based): chr11:32,417,577, C>T on the plus strand (G>A on the coding strand, the complement: WT1 is on the minus strand). VCF-style: chr11-32417577-C-T. GRCh37 (hg19) VCF-style: chr11-32439123-C-T.
Other names: c.965G>A, p.Gly322Asp (NM_001407049.1, NM_001407045.1, NM_001407048.1 and 1 more transcripts); c.842G>A, p.Gly281Asp (NM_001407050.1); c.203G>A, p.Gly68Glu (NM_001407051.1); c.965G>A, p.Gly322Glu (NM_024424.5, NM_001407044.1, NM_001407046.1); c.950G>A, p.Gly317Asp (NM_024425.2); c.314G>A, p.Gly105Asp (NM_001198552.2); c.842G>A, p.Gly281Glu (NM_001407047.1); c.314G>A, p.Gly105Glu (NM_001198551.2); and 1 more; short protein forms G105D, G281D, G317D, G105E, G281E, G322E, G317E, G68E.
Identifiers: ClinVar variation 2935021 (VCV002935021.5), dbSNP rs1564987614, ClinGen allele CA379961990.